The following is an entry in ClinVar:

NM_000117.3(EMD):c.599G>T (p.Trp200Leu)

Gene: EMD (emerin; plus strand). Cytogenetic location: Xq28.
Variant type: single nucleotide variant.
Coding change: c.599G>T on transcript NM_000117.3 (MANE Select); coding-DNA position 599, G replaced by T.
Protein change: p.Trp200Leu; replaces tryptophan 200 with leucine.
Molecular consequence: missense variant.
Genome position (GRCh38, 1-based): chrX:154,381,031, G>T. VCF-style: chrX-154381031-G-T. GRCh37 (hg19) VCF-style: chrX-153609391-G-T.
Other names: short protein forms W200L.
Identifiers: ClinVar variation 2816568 (VCV002816568.3), dbSNP rs2522790469, ClinGen allele CA415258989.

ClinVar aggregate classification (germline): Uncertain significance (1 of 4 stars; one submission).

Conditions:
X-linked Emery-Dreifuss muscular dystrophy. Also called: Muscular dystrophy, tardive Emery-Dreifuss type, with contractures. Identifiers: Orphanet 261, Orphanet 98863, MedGen C0751337, MONDO:0010680.

Submission:

Labcorp Genetics (formerly Invitae), Labcorp
Classification: Uncertain significance for X-linked Emery-Dreifuss muscular dystrophy. Last evaluated: 2022-11-24. Review status: criteria provided, single submitter. Criteria: Invitae Variant Classification Sherloc (09022015). Collection method: clinical testing. Allele origin: germline.
Comment: In summary, the available evidence is currently insufficient to determine the role of this variant in disease. Therefore, it has been classified as a Variant of Uncertain Significance. Advanced modeling of protein sequence and biophysical properties (such as structural, functional, and spatial information, amino acid conservation, physicochemical variation, residue mobility, and thermodynamic stability) performed at Invitae indicates that this missense variant is not expected to disrupt EMD protein function. This variant has not been reported in the literature in individuals affected with EMD-related conditions. This variant is not present in population databases (gnomAD no frequency). This sequence change replaces tryptophan, which is neutral and slightly polar, with leucine, which is neutral and non-polar, at codon 200 of the EMD protein (p.Trp200Leu).